The following is an entry in ClinVar:

Conditions:
Breast-ovarian cancer, familial, susceptibility to, 1 (BROVCA1). Also called: BRCA1 Hereditary Breast and Ovarian Cancer; OVARIAN CANCER, SUSCEPTIBILITY TO. Identifiers: Orphanet 145, MedGen C2676676, MONDO:0011450, OMIM 604370. Disease mechanism: loss of function.

Submission:

Brotman Baty Institute, University of Washington
No classification provided (evidence only). Condition: Breast-ovarian cancer, familial 1. Review status: no classification provided. Collection method: in vitro. Allele origin: not applicable. Functional consequence: functionally_normal.
ClinVar note: "not provided" was previously submitted as the classification for the variant. However, the classification appeared to be based only on an observation of functional data so it was converted to no classification on 2025-07-30.

NM_007294.4(BRCA1):c.4924T>C (p.Ser1642Pro)

Gene: BRCA1 (BRCA1 DNA repair associated; minus strand). Cytogenetic location: 17q21.31.
Variant type: single nucleotide variant.
Coding change: c.4924T>C on transcript NM_007294.4 (MANE Select); coding-DNA position 4924, T replaced by C.
Protein change: p.Ser1642Pro; replaces serine 1642 with proline.
Molecular consequence: missense variant. On other transcripts: non-coding transcript variant (1).
Genome position (GRCh38, 1-based): chr17:43,070,990, A>G on the plus strand (T>C on the coding strand, the complement: BRCA1 is on the minus strand). VCF-style: chr17-43070990-A-G. GRCh37 (hg19) VCF-style: chr17-41223007-A-G.
Other names: c.4711T>C, p.Ser1571Pro (NM_001407571.1, NM_001407900.1, NM_001407902.1 and 12 more transcripts); c.4990T>C, p.Ser1664Pro (NM_001407581.1, NM_001407582.1); c.4987T>C, p.Ser1663Pro (NM_001407583.1, NM_001407585.1, NM_001407587.1 and 1 more transcripts); c.4921T>C, p.Ser1641Pro (NM_001407610.1, NM_001407611.1, NM_001407612.1 and 17 more transcripts); c.4918T>C, p.Ser1640Pro (NM_001407629.1, NM_001407630.1, NM_001407631.1 and 14 more transcripts); c.4864T>C, p.Ser1622Pro (NM_001407649.1); c.4924T>C, p.Ser1642Pro (NM_001407652.1, NM_001407854.1, NM_001407593.1 and 8 more transcripts); c.4846T>C, p.Ser1616Pro (NM_001407653.1, NM_001407654.1, NM_001407655.1); and 70 more; short protein forms S1663P, S1595P, S1642P, S538P, S1513P, S1514P, S1529P, S1572P.
Identifiers: ClinVar variation 868849 (VCV000868849.3), dbSNP rs2052376601, ClinGen allele CA10591674.